The following is an entry in ClinVar:

ClinVar aggregate classification (germline): Likely pathogenic (1 of 4 stars; one submission).

Conditions:
Autosomal recessive nonsyndromic hearing loss 9. Also called: NEUROSENSORY NONSYNDROMIC RECESSIVE DEAFNESS 9; OTOF-Related Hearing Loss; Deafness, autosomal recessive 9; AUDITORY NEUROPATHY, AUTOSOMAL RECESSIVE, 1, TEMPERATURE-SENSITIVE. Identifiers: Orphanet 90636, MedGen C1832828, MONDO:0010986, OMIM 601071.

Submission:

Institute of Rare Diseases, West China Hospital, Sichuan University
Classification: Likely pathogenic for Autosomal recessive nonsyndromic hearing loss 9. Last evaluated: 2025-01-09. Review status: criteria provided, single submitter. Criteria: ClinGen HL ACMG Specifications v1. Collection method: research. Allele origin: germline. Affected: yes.
Comment: PVS1;PM2_Supporting

NM_194248.3(OTOF):c.4342_4343insT (p.Arg1448fs)

Gene: OTOF (otoferlin; minus strand). Cytogenetic location: 2p23.3.
Variant type: Insertion.
Coding change: c.4342_4343insT on transcript NM_194248.3 (MANE Select); coding-DNA positions 4342 to 4343, T inserted.
Protein change: p.Arg1448fs; shifts the reading frame from arginine 1448.
Molecular consequence: frameshift variant.
Genome position: GRCh38 VCF-style: chr2-26467118-C-CA. GRCh37 (hg19) VCF-style: chr2-26689986-C-CA.
Other names: c.4342_4343insT, p.Arg1448fs (NM_001287489.2); c.2041_2042insT, p.Arg681fs (NM_004802.4, NM_194323.3); c.2272_2273insT, p.Arg758fs (NM_194322.3); short protein forms R1448fs, R681fs, R758fs.
Identifiers: ClinVar variation 3601543 (VCV003601543.1).